The following is an entry in ClinVar:

ClinVar aggregate classification (germline): Uncertain significance (1 of 4 stars; one submission).

Conditions:
Leigh syndrome (NULS). Also called: Leigh's necrotizing encephalopathy; Leigh's disease; Leigh Syndrome (mtDNA deletion); Leigh Disease; Subacute necrotizing encephalopathy; Necrotizing encephalopathy infantile subacute of Leigh. Identifiers: Orphanet 506, MedGen C2931891, MONDO:0009723, OMIM 256000.

Submission:

Wong Mito Lab, Molecular and Human Genetics, Baylor College of Medicine
Classification: Uncertain significance for Leigh syndrome. Last evaluated: 2019-10-17. Review status: criteria provided, single submitter. Criteria: Modified ACMG Guidelines (Unpublished). Collection method: clinical testing. Allele origin: germline.
Comment: The NC_012920.1:m.8699T>C (YP_003024031.1:p.Met58Thr) variant in MTATP6 gene is interpretated to be a Uncertain Significance variant based on the modified ACMG guidelines (unpublished). This variant meets the following evidence codes: no criteria

NC_012920.1(MT-ATP6):m.8699T>C

Gene: MT-ATP6 (mitochondrially encoded ATP synthase 6; plus strand).
Variant type: single nucleotide variant.
Genome position: chrM-8699-T-C.
Identifiers: ClinVar variation 692953 (VCV000692953.1), dbSNP rs1603221710, ClinGen allele CA414797515.